The following is an entry in ClinVar:

NM_005751.5(AKAP9):c.752T>G (p.Leu251Arg)

Genes: AKAP9 (A-kinase anchoring protein 9; plus strand), LOC129998789 (ATAC-STARR-seq lymphoblastoid silent region 18366; plus strand). Cytogenetic location: 7q21.2.
Variant type: single nucleotide variant.
Coding change: c.752T>G on transcript NM_005751.5 (MANE Select); coding-DNA position 752, T replaced by G.
Protein change: p.Leu251Arg; replaces leucine 251 with arginine.
Molecular consequence: missense variant.
Genome position (GRCh38, 1-based): chr7:91,995,622, T>G. VCF-style: chr7-91995622-T-G. GRCh37 (hg19) VCF-style: chr7-91624936-T-G.
Other names: c.752T>G, p.Leu251Arg (NM_147185.3); short protein forms L251R.
Identifiers: ClinVar variation 998941 (VCV000998941.12), dbSNP rs748330070, ClinGen allele CA4335912.

ClinVar aggregate classification (germline): Uncertain significance. Review status: criteria provided, multiple submitters, no conflicts (2 of 4 stars). 2 submissions from 2 submitters: Uncertain significance (2). Last evaluated 2025-09-07.

Conditions:
Cardiovascular phenotype. Identifiers: MedGen CN230736.
Long QT syndrome (LQTS). Identifiers: MedGen C0023976, MeSH D008133, MONDO:0002442. Disease mechanism: loss of function. Inheritance: Various modes of inheritance.

Allele frequency attached by ClinVar (database versions not stated): gnomAD exomes 0.00001; TOPMed 0.00001; ExAC 0.00003; gnomAD 0.00003.
gnomAD v4.1: 24 of 1,613,918 alleles (0.0015%); highest among the groups gnomAD compares: Middle Eastern, 0.033%; no homozygotes.

Submissions (2):

Ambry Genetics
Classification: Uncertain significance for Cardiovascular phenotype. Last evaluated: 2025-09-07. Review status: criteria provided, single submitter. Criteria: Ambry Variant Classification Scheme 2023. Collection method: clinical testing. Allele origin: germline.
Comment: The p.L251R variant (also known as c.752T>G), located in coding exon 7 of the AKAP9 gene, results from a T to G substitution at nucleotide position 752. The leucine at codon 251 is replaced by arginine, an amino acid with dissimilar properties. This amino acid position is conserved. In addition, the in silico prediction for this alteration is inconclusive. Since supporting evidence is limited at this time, the clinical significance of this alteration remains unclear.

Labcorp Genetics (formerly Invitae), Labcorp
Classification: Uncertain significance for Long QT syndrome. Last evaluated: 2025-07-23. Review status: criteria provided, single submitter. Criteria: Invitae Variant Classification Sherloc (09022015). Collection method: clinical testing. Allele origin: germline.
Comment: This sequence change replaces leucine, which is neutral and non-polar, with arginine, which is basic and polar, at codon 251 of the AKAP9 protein (p.Leu251Arg). This variant is present in population databases (rs748330070, gnomAD 0.006%). This variant has not been reported in the literature in individuals affected with AKAP9-related conditions. ClinVar contains an entry for this variant (Variation ID: 998941). An algorithm developed to predict the effect of missense changes on protein structure and function (PolyPhen-2) suggests that this variant is likely to be disruptive. In summary, the available evidence is currently insufficient to determine the role of this variant in disease. Therefore, it has been classified as a Variant of Uncertain Significance.